The following is an entry in ClinVar:

NM_206933.4(USH2A):c.14736C>A (p.His4912Gln)

Gene: USH2A (usherin; minus strand). Cytogenetic location: 1q41.
Variant type: single nucleotide variant.
Coding change: c.14736C>A on transcript NM_206933.4 (MANE Select); coding-DNA position 14736, C replaced by A.
Protein change: p.His4912Gln; replaces histidine 4912 with glutamine.
Molecular consequence: missense variant.
Genome position (GRCh38, 1-based): chr1:215,647,577, G>T on the plus strand (C>A on the coding strand, the complement: USH2A is on the minus strand). VCF-style: chr1-215647577-G-T. GRCh37 (hg19) VCF-style: chr1-215820919-G-T.
Other names: short protein forms H4912Q.
Identifiers: ClinVar variation 1442958 (VCV001442958.6), dbSNP rs768786074, ClinGen allele CA37389133.
Genomic context (GRCh38, chr1:215,647,577, plus strand): 5'-CTCACATTCTTTTTGGGTGGTGAAACTGATCCACTCGGAAGCCGTACTGCCCACCTCGTT[G>T]TGTGCCACCACTCTCAGCTTGTATGTGGTGTAGGGCTGGAGACCCCCAAGGCTGGCTTTC-3'
Protein context (NP_996816.3, residues 4902-4922): YTTYKLRVVA[His4912Gln]NEVGSTASEW

ClinVar aggregate classification (germline): Uncertain significance (1 of 4 stars; one submission).

Submission:

Labcorp Genetics (formerly Invitae), Labcorp
Classification: Uncertain significance. Last evaluated: 2022-06-05. Review status: criteria provided, single submitter. Criteria: Invitae Variant Classification Sherloc (09022015). Collection method: clinical testing. Allele origin: germline.
Comment: This sequence change replaces histidine, which is basic and polar, with glutamine, which is neutral and polar, at codon 4912 of the USH2A protein (p.His4912Gln). This variant is not present in population databases (gnomAD no frequency). This variant has not been reported in the literature in individuals affected with USH2A-related conditions. ClinVar contains an entry for this variant (Variation ID: 1442958). Algorithms developed to predict the effect of missense changes on protein structure and function are either unavailable or do not agree on the potential impact of this missense change (SIFT: "Deleterious"; PolyPhen-2: "Possibly Damaging"; Align-GVGD: "Class C0"). In summary, the available evidence is currently insufficient to determine the role of this variant in disease. Therefore, it has been classified as a Variant of Uncertain Significance.